The following is an entry in ClinVar:

ClinVar aggregate classification (germline): Uncertain significance. Review status: criteria provided, multiple submitters, no conflicts (2 of 4 stars). 3 submissions from 3 submitters: Uncertain significance (3). Last evaluated 2025-05-07.

Conditions:
PRPF8-related disorder. Also called: PRPF8-related condition.

Allele frequency attached by ClinVar (database versions not stated): ExAC 0.00002; gnomAD 0.00002; gnomAD exomes 0.00002; TOPMed 0.00003; 1000 Genomes Project 0.00020; 1000 Genomes Project 30x 0.00031.

Submissions (3):

PreventionGenetics, part of Exact Sciences
Classification: Uncertain significance for PRPF8-related condition. Last evaluated: 2025-05-07. Review status: criteria provided, single submitter. Criteria: ACMG Guidelines, 2015. Collection method: clinical testing. Allele origin: germline.
Comment: The PRPF8 c.3988A>G variant is predicted to result in the amino acid substitution p.Met1330Val. To our knowledge, this variant has not been reported in the literature. This variant is reported in 0.012% of alleles in individuals of African descent in gnomAD v2. However, in gnomAD v4 (available only on GRCh38), this variant is reported in 0.0027% of alleles in individuals of African descent, including zero homozygotes. This population data is not consistent with this variant being a primary cause of disease. At this time, the clinical significance of this variant is uncertain due to the absence of conclusive functional and genetic evidence.

Labcorp Genetics (formerly Invitae), Labcorp
Classification: Uncertain significance. Last evaluated: 2022-08-02. Review status: criteria provided, single submitter. Criteria: Invitae Variant Classification Sherloc (09022015). Collection method: clinical testing. Allele origin: germline.
Comment: In summary, the available evidence is currently insufficient to determine the role of this variant in disease. Therefore, it has been classified as a Variant of Uncertain Significance. Algorithms developed to predict the effect of missense changes on protein structure and function are either unavailable or do not agree on the potential impact of this missense change (SIFT: "Tolerated"; PolyPhen-2: "Possibly Damaging"; Align-GVGD: "Class C0"). This variant has not been reported in the literature in individuals affected with PRPF8-related conditions. This variant is present in population databases (rs199508074, gnomAD 0.01%). This sequence change replaces methionine, which is neutral and non-polar, with valine, which is neutral and non-polar, at codon 1330 of the PRPF8 protein (p.Met1330Val).

Blueprint Genetics
Classification: Uncertain significance. Last evaluated: 2020-08-07. Review status: criteria provided, single submitter. Criteria: ACMG Guidelines, 2015. Collection method: clinical testing. Allele origin: germline.

NM_006445.4(PRPF8):c.3988A>G (p.Met1330Val)

Gene: PRPF8 (pre-mRNA processing factor 8; minus strand). Cytogenetic location: 17p13.3.
Variant type: single nucleotide variant.
Coding change: c.3988A>G on transcript NM_006445.4 (MANE Select); coding-DNA position 3988, A replaced by G.
Protein change: p.Met1330Val; replaces methionine 1330 with valine.
Molecular consequence: missense variant.
Genome position (GRCh38, 1-based): chr17:1,661,940, T>C on the plus strand (A>G on the coding strand, the complement: PRPF8 is on the minus strand). VCF-style: chr17-1661940-T-C. GRCh37 (hg19) VCF-style: chr17-1565234-T-C.
Other names: c.3988A>G (NM_006445.3); short protein forms M1330V.
Identifiers: ClinVar variation 2202109 (VCV002202109.6), dbSNP rs199508074, ClinGen allele CA8271764.